The following is an entry in ClinVar:

ClinVar aggregate classification (germline): Uncertain significance (1 of 4 stars; one submission).

Conditions:
Primary ciliary dyskinesia. Also called: Ciliary dyskinesia. Identifiers: Orphanet 244, MedGen C0008780, MONDO:0016575, HP:0012265.

Allele frequency attached by ClinVar (database versions not stated): ExAC 0.00001.

Submission:

Labcorp Genetics (formerly Invitae), Labcorp
Classification: Uncertain significance for Primary ciliary dyskinesia. Last evaluated: 2019-06-25. Review status: criteria provided, single submitter. Criteria: Invitae Variant Classification Sherloc (09022015). Collection method: clinical testing. Allele origin: germline.
Comment: In summary, the available evidence is currently insufficient to determine the role of this variant in disease. Therefore, it has been classified as a Variant of Uncertain Significance. This sequence change replaces lysine with glutamine at codon 74 of the DRC1 protein (p.Lys74Gln). The lysine residue is highly conserved and there is a small physicochemical difference between lysine and glutamine. This variant is present in population databases (rs776739782, ExAC 0.002%). This variant has not been reported in the literature in individuals with DRC1-related conditions. Algorithms developed to predict the effect of missense changes on protein structure and function are either unavailable or do not agree on the potential impact of this missense change (SIFT: "Tolerated"; PolyPhen-2: "Possibly Damaging"; Align-GVGD: "Class C0").

NM_145038.5(DRC1):c.220A>C (p.Lys74Gln)

Gene: DRC1 (dynein regulatory complex subunit 1; plus strand). Cytogenetic location: 2p23.3.
Variant type: single nucleotide variant.
Coding change: c.220A>C on transcript NM_145038.5 (MANE Select); coding-DNA position 220, A replaced by C.
Protein change: p.Lys74Gln; replaces lysine 74 with glutamine.
Molecular consequence: missense variant.
Genome position (GRCh38, 1-based): chr2:26,414,408, A>C. VCF-style: chr2-26414408-A-C. GRCh37 (hg19) VCF-style: chr2-26637276-A-C.
Other names: short protein forms K74Q.
Identifiers: ClinVar variation 940250 (VCV000940250.10), dbSNP rs776739782, ClinGen allele CA1561800.